The following is an entry in ClinVar:

NM_000168.6(GLI3):c.7G>T (p.Ala3Ser)

Gene: GLI3 (GLI family zinc finger 3; minus strand). Cytogenetic location: 7p14.1.
Variant type: single nucleotide variant.
Coding change: c.7G>T on transcript NM_000168.6 (MANE Select); coding-DNA position 7, G replaced by T.
Protein change: p.Ala3Ser; replaces alanine 3 with serine.
Molecular consequence: missense variant.
Genome position (GRCh38, 1-based): chr7:42,223,247, C>A on the plus strand (G>T on the coding strand, the complement: GLI3 is on the minus strand). VCF-style: chr7-42223247-C-A. GRCh37 (hg19) VCF-style: chr7-42262846-C-A.
Other names: short protein forms A3S.
Identifiers: ClinVar variation 1309645 (VCV001309645.2), dbSNP rs2128702718, ClinGen allele CA367551328.

ClinVar aggregate classification (germline): Uncertain significance (1 of 4 stars; one submission).

Submission:

GeneDx
Classification: Uncertain significance. Last evaluated: 2019-10-22. Review status: criteria provided, single submitter. Criteria: GeneDx Variant Classification Process June 2021. Collection method: clinical testing. Allele origin: germline. Affected: yes.
Comment: Not observed in large population cohorts (Lek et al., 2016); In silico analysis, which includes protein predictors and evolutionary conservation, supports that this variant does not alter protein structure/function; Has not been previously published as pathogenic or benign to our knowledge